The following is an entry in ClinVar:

ClinVar aggregate classification (germline): Uncertain significance (1 of 4 stars; one submission).

Conditions:
Bethlem myopathy 1A. Also called: Bethlem myopathy 1; Bethlem Muscular Dystrophy; MYOPATHY, BENIGN CONGENITAL, WITH CONTRACTURES. Identifiers: Orphanet 610, MedGen CN029274, MONDO:0024530, OMIM 158810.

Allele frequency attached by ClinVar (database versions not stated): TOPMed below 0.00001; gnomAD 0.00001; gnomAD exomes 0.00001; ExAC 0.00002; ESP Exome Variant Server 0.00008.
gnomAD v4.1: 22 of 1,614,186 alleles (0.0014%); highest among the groups gnomAD compares: South Asian, 0.0077%; 1 homozygote.

Submission:

Labcorp Genetics (formerly Invitae), Labcorp
Classification: Uncertain significance for Bethlem myopathy 1A. Last evaluated: 2025-07-31. Review status: criteria provided, single submitter. Criteria: Invitae Variant Classification Sherloc (09022015). Collection method: clinical testing. Allele origin: germline.
Comment: This sequence change replaces arginine, which is basic and polar, with lysine, which is basic and polar, at codon 2603 of the COL6A3 protein (p.Arg2603Lys). This variant is present in population databases (rs150554876, gnomAD 0.003%). This variant has not been reported in the literature in individuals affected with COL6A3-related conditions. ClinVar contains an entry for this variant (Variation ID: 2724550). Invitae Evidence Modeling of protein sequence and biophysical properties (such as structural, functional, and spatial information, amino acid conservation, physicochemical variation, residue mobility, and thermodynamic stability) indicates that this missense variant is not expected to disrupt COL6A3 protein function with a negative predictive value of 80%. In summary, the available evidence is currently insufficient to determine the role of this variant in disease. Therefore, it has been classified as a Variant of Uncertain Significance.

NM_004369.4(COL6A3):c.7808G>A (p.Arg2603Lys)

Gene: COL6A3 (collagen type VI alpha 3 chain; minus strand). Cytogenetic location: 2q37.3.
Variant type: single nucleotide variant.
Coding change: c.7808G>A on transcript NM_004369.4 (MANE Select); coding-DNA position 7808, G replaced by A.
Protein change: p.Arg2603Lys; replaces arginine 2603 with lysine.
Molecular consequence: missense variant.
Genome position (GRCh38, 1-based): chr2:237,341,108, C>T on the plus strand (G>A on the coding strand, the complement: COL6A3 is on the minus strand). VCF-style: chr2-237341108-C-T. GRCh37 (hg19) VCF-style: chr2-238249751-C-T.
Other names: c.7190G>A, p.Arg2397Lys (NM_057167.4); c.5987G>A, p.Arg1996Lys (NM_057166.5); short protein forms R2397K, R2603K, R1996K.
Identifiers: ClinVar variation 2724550 (VCV002724550.3), dbSNP rs150554876, ClinGen allele CA2187689.
Genomic context (GRCh38, chr2:237,341,108, plus strand): 5'-ATGAAAGCCATGTCGATGTCCACATCGCTCCCTGCCGCTCTCCTGTCCCTGAAGGAAGGC[C>T]TCCAACTGCCAAATCCACAGGATGGGTCGATGTTGCAGATGTCTAGAAAGAAGCATGGCA-3'
Protein context (NP_004360.2, residues 2593-2613): IDPSCGFGSW[Arg2603Lys]PSFRDRRAAG